The following is an entry in ClinVar:

NM_144997.7(FLCN):c.397-330C>T

Gene: FLCN (folliculin; minus strand). Cytogenetic location: 17p11.2.
Variant type: single nucleotide variant.
Coding change: c.397-330C>T on transcript NM_144997.7 (MANE Select); 330 bases into the intron before coding-DNA position 397, C replaced by T.
Molecular consequence: intron variant. On other transcripts: synonymous variant (1).
Genome position (GRCh38, 1-based): chr17:17,224,473, G>A on the plus strand (C>T on the coding strand, the complement: FLCN is on the minus strand). VCF-style: chr17-17224473-G-A. GRCh37 (hg19) VCF-style: chr17-17127787-G-A.
Other names: c.435C>T, p.Phe145= (NM_001353229.2); c.397-330C>T (NM_001353231.2, NM_001353230.2, NM_144606.7).
Identifiers: ClinVar variation 3054168 (VCV003054168.2), dbSNP rs140220661, ClinGen allele CA288317703.

ClinVar aggregate classification (germline): Likely benign (0 of 4 stars; one submission).

Conditions:
FLCN-related disorder. Also called: FLCN-related condition.

Allele frequency attached by ClinVar (database versions not stated): gnomAD exomes 0.00009; gnomAD 0.00052; TOPMed 0.00057; 1000 Genomes Project 30x 0.00078; 1000 Genomes Project 0.00100.

Submission:

PreventionGenetics, part of Exact Sciences
Classification: Likely benign for FLCN-related condition. Last evaluated: 2022-09-06. Review status: no assertion criteria provided. Collection method: clinical testing. Allele origin: germline.
Comment: This variant is classified as likely benign based on ACMG/AMP sequence variant interpretation guidelines (Richards et al. 2015 PMID: 25741868, with internal and published modifications).